The following is an entry in ClinVar:

ClinVar aggregate classification (germline): Conflicting classifications of pathogenicity. Review status: criteria provided, conflicting classifications (1 of 4 stars). 9 submissions from 9 submitters: Uncertain significance (6); Benign (1). 2 of the submissions do not count toward it. Last evaluated 2024-08-18.

Conditions:
Hereditary cancer-predisposing syndrome. Also called: Tumor predisposition; Neoplastic Syndromes, Hereditary; Hereditary neoplastic syndrome; Hereditary Cancer Syndrome. Identifiers: Orphanet 140162, MedGen C0027672, MeSH D009386, MONDO:0015356.
Ovarian cancer. Also called: OVARIAN CANCER, SOMATIC. Identifiers: Orphanet 213500, MedGen C1140680, MONDO:0008170, OMIM 167000.
Familial cancer of breast. Also called: BREAST CANCER, FAMILIAL; hereditary breast carcinoma; Hereditary breast cancer. Identifiers: Orphanet 227535, MedGen C0346153, MONDO:0016419, OMIM 114480. Disease mechanism: loss of function.
Ataxia-telangiectasia syndrome (AT). Also called: LOUIS-BAR SYNDROME; Ataxia-telangiectasia, complementation group D; AT, COMPLEMENTATION GROUP C; ATAXIA-TELANGIECTASIA, COMPLEMENTATION GROUP A; ATAXIA-TELANGIECTASIA, FRESNO VARIANT; Ataxia-telangiectasia. Identifiers: Orphanet 100, MedGen C0004135, MONDO:0008840, OMIM 208900.

Allele frequency attached by ClinVar (database versions not stated): gnomAD exomes 0.00001.
gnomAD v4.1: 4 of 1,614,102 alleles (0.00025%); highest among the groups gnomAD compares: East Asian, 0.0089%; no homozygotes.

Submissions (9):

Labcorp Genetics (formerly Invitae), Labcorp
Classification: Uncertain significance for Ataxia-telangiectasia syndrome. Last evaluated: 2024-08-18. Review status: criteria provided, single submitter. Criteria: Invitae Variant Classification Sherloc (09022015). Collection method: clinical testing. Allele origin: germline.
Comment: This sequence change replaces glycine, which is neutral and non-polar, with aspartic acid, which is acidic and polar, at codon 494 of the ATM protein (p.Gly494Asp). This variant is present in population databases (rs786202233, gnomAD 0.02%). This variant has not been reported in the literature in individuals affected with ATM-related conditions. ClinVar contains an entry for this variant (Variation ID: 185509). An algorithm developed to predict the effect of missense changes on protein structure and function (PolyPhen-2) suggests that this variant¬†is likely to be tolerated. In summary, the available evidence is currently insufficient to determine the role of this variant in disease. Therefore, it has been classified as a Variant of Uncertain Significance.

Color Diagnostics, LLC DBA Color Health
Classification: Uncertain significance for Hereditary cancer-predisposing syndrome. Last evaluated: 2024-04-09. Review status: criteria provided, single submitter. Criteria: ACMG Guidelines, 2015. Collection method: clinical testing. Allele origin: germline.
Comment: This missense variant replaces glycine with aspartic acid at codon 494 of the ATM protein. Computational prediction suggests that this variant may not impact protein structure and function. To our knowledge, functional studies have not been reported for this variant. This variant has not been reported in individuals affected with hereditary cancer in the literature. This variant has been identified in 3/251286 chromosomes in the general population by the Genome Aggregation Database (gnomAD). The available evidence is insufficient to determine the role of this variant in disease conclusively. Therefore, this variant is classified as a Variant of Uncertain Significance.

Baylor Genetics
Classification: Uncertain significance for Familial cancer of breast. Last evaluated: 2023-10-17. Review status: criteria provided, single submitter. Criteria: ACMG Guidelines, 2015. Collection method: clinical testing. Allele origin: unknown.

Blueprint Genetics
Classification: Uncertain significance. Last evaluated: 2023-09-16. Review status: criteria provided, single submitter. Criteria: ACMG Guidelines, 2015. Collection method: clinical testing. Allele origin: germline.

Ambry Genetics
Classification: Uncertain significance for Hereditary cancer-predisposing syndrome. Last evaluated: 2023-09-07. Review status: criteria provided, single submitter. Criteria: Ambry Variant Classification Scheme 2023. Collection method: clinical testing. Allele origin: germline.
Comment: The p.G494D variant (also known as c.1481G>A), located in coding exon 9 of the ATM gene, results from a G to A substitution at nucleotide position 1481. The glycine at codon 494 is replaced by aspartic acid, an amino acid with similar properties. This amino acid position is not well conserved in available vertebrate species. In addition, this alteration is predicted to be tolerated by in silico analysis. Since supporting evidence is limited at this time, the clinical significance of this alteration remains unclear.

Laboratory of Molecular Epidemiology of Birth Defects, West China Second University Hospital, Sichuan University
Classification: Benign for Ovarian cancer. Last evaluated: 2022-01-01. Review status: criteria provided, single submitter. Criteria: ACMG Guidelines, 2015. Collection method: clinical testing. Allele origin: germline. Affected: yes.

GeneDx
Classification: Uncertain significance. Last evaluated: 2020-10-23. Review status: criteria provided, single submitter. Criteria: GeneDx Variant Classification Process June 2021. Collection method: clinical testing. Allele origin: germline. Affected: yes.
Comment: Not observed at a significant frequency in large population cohorts (Lek 2016); In silico analysis supports that this missense variant does not alter protein structure/function; This variant is associated with the following publications: (PMID: 30942098)

Natera, Inc.
Classification: Uncertain significance for Ataxia-telangiectasia. Last evaluated: 2020-07-30. Review status: no assertion criteria provided. Collection method: clinical testing. Allele origin: germline. Not counted in ClinVar's aggregate classification.

Counsyl
Classification: Uncertain significance for Ataxia-telangiectasia syndrome. Last evaluated: 2017-09-06. Review status: no assertion criteria provided. Collection method: clinical testing. Allele origin: unknown. Not counted in ClinVar's aggregate classification.

NM_000051.4(ATM):c.1481G>A (p.Gly494Asp)

Gene: ATM (ATM serine/threonine kinase; plus strand). Cytogenetic location: 11q22.3.
Variant type: single nucleotide variant.
Coding change: c.1481G>A on transcript NM_000051.4 (MANE Select); coding-DNA position 1481, G replaced by A.
Protein change: p.Gly494Asp; replaces glycine 494 with aspartic acid.
Molecular consequence: missense variant.
Genome position (GRCh38, 1-based): chr11:108,250,946, G>A. VCF-style: chr11-108250946-G-A. GRCh37 (hg19) VCF-style: chr11-108121673-G-A.
Other names: c.1481G>A, p.Gly494Asp (NM_001351834.2); short protein forms G494D.
Identifiers: ClinVar variation 185509 (VCV000185509.27), dbSNP rs786202233, ClinGen allele CA192151.